The following is an entry in ClinVar:

ClinVar aggregate classification (germline): Uncertain significance (1 of 4 stars; one submission).

Conditions:
Cutis laxa, autosomal dominant 3 (ADCL3). Identifiers: Orphanet 90348, MedGen C4225268, MONDO:0014706, OMIM 616603.
Autosomal recessive complex spastic paraplegia type 9B. Also called: Spastic paraplegia 9b, autosomal recessive. Identifiers: Orphanet 447760, MedGen C5568980, MONDO:0014702, OMIM 616586.
Hereditary spastic paraplegia 9A. Also called: SPASTIC PARAPARESIS WITH AMYOTROPHY, CATARACTS, AND GASTROESOPHAGEAL REFLUX; SPASTIC PARAPLEGIA 9A, AUTOSOMAL DOMINANT; CATARACTS WITH MOTOR NEURONOPATHY, SHORT STATURE, AND SKELETAL ABNORMALITIES. Identifiers: Orphanet 100990, Orphanet 447753, MedGen C5568978, MONDO:0011006, OMIM 601162.
ALDH18A1-related de Barsy syndrome. Also called: DE BARSY SYNDROME A; Cutis laxa, autosomal recessive IIIA. Identifiers: Orphanet 2962, Orphanet 35664, MedGen C5234852, MONDO:0009053, OMIM 219150.

Submission:

Juno Genomics, Hangzhou Juno Genomics, Inc
Classification: Uncertain significance for Hereditary spastic paraplegia 9A; Autosomal recessive complex spastic paraplegia type 9B; Cutis laxa, autosomal dominant 3; ALDH18A1-related de Barsy syndrome. Review status: criteria provided, single submitter. Criteria: ACMG Guidelines, 2015. Collection method: clinical testing. Allele origin: germline.
Comment: Absent from controls (or at extremely low frequency if recessive) in Genome Aggregation Database.;Missense variant in a gene that has a low rate of benign missense variation.

NM_002860.4(ALDH18A1):c.1895A>T (p.Gln632Leu)

Gene: ALDH18A1 (aldehyde dehydrogenase 18 family member A1; minus strand). Cytogenetic location: 10q24.1.
Variant type: single nucleotide variant.
Coding change: c.1895A>T on transcript NM_002860.4 (MANE Select); coding-DNA position 1895, A replaced by T.
Protein change: p.Gln632Leu; replaces glutamine 632 with leucine.
Molecular consequence: missense variant.
Genome position (GRCh38, 1-based): chr10:95,613,770, T>A on the plus strand (A>T on the coding strand, the complement: ALDH18A1 is on the minus strand). VCF-style: chr10-95613770-T-A. GRCh37 (hg19) VCF-style: chr10-97373527-T-A.
Other names: c.1889A>T, p.Gln630Leu (NM_001017423.2, NM_001323415.2); c.1562A>T, p.Gln521Leu (NM_001323412.2, NM_001323416.2); c.1895A>T, p.Gln632Leu (NM_001323413.2, NM_001323414.2); c.1790A>T, p.Gln597Leu (NM_001323417.2); c.1556A>T, p.Gln519Leu (NM_001323418.2); c.1259A>T, p.Gln420Leu (NM_001323419.2); short protein forms Q420L, Q519L, Q521L, Q597L, Q630L, Q632L.
Identifiers: ClinVar variation 5019232 (VCV005019232.2).
Genomic context (GRCh38, chr10:95,613,770, plus strand): 5'-GAAGTAATGTACTAGTCCTATGGAACTCTTACCTGTTCCACTCTCAGCATATCAATGATC[T>A]GGTCAAATAATGGTGTCCTGAGCAGATCCCGGTGGATTAACAAAGTCTCCAAAGCATTAC-3'
Protein context (NP_002851.2, residues 622-642): RDLLRTPLFD[Gln632Leu]IIDMLRVEQV